The following is an entry in ClinVar:

NM_025074.7(FRAS1):c.11317G>C (p.Val3773Leu)

Gene: FRAS1 (Fraser extracellular matrix complex subunit 1; plus strand). Cytogenetic location: 4q21.21.
Variant type: single nucleotide variant.
Coding change: c.11317G>C on transcript NM_025074.7 (MANE Select); coding-DNA position 11317, G replaced by C.
Protein change: p.Val3773Leu; replaces valine 3773 with leucine.
Molecular consequence: missense variant.
Genome position (GRCh38, 1-based): chr4:78,539,312, G>C. VCF-style: chr4-78539312-G-C. GRCh37 (hg19) VCF-style: chr4-79460466-G-C.
Other names: c.11317G>C (NM_025074.6); short protein forms V3773L.
Identifiers: ClinVar variation 596492 (VCV000596492.16), dbSNP rs150567662, ClinGen allele CA2979203.

ClinVar aggregate classification (germline): Conflicting classifications of pathogenicity. Review status: criteria provided, conflicting classifications (1 of 4 stars). 4 submissions from 4 submitters: Uncertain significance (3); Likely benign (1). Last evaluated 2026-02-01.

Conditions:
Inborn genetic diseases. Identifiers: MedGen C0950123, MeSH D030342.
Fraser syndrome 1 (FRASRS1). Also called: CRYPTOPHTHALMOS WITH OTHER MALFORMATIONS. Identifiers: Orphanet 2052, MedGen C4551480, MONDO:0054737, OMIM 219000.

Allele frequency attached by ClinVar (database versions not stated): gnomAD 0.00013; 1000 Genomes Project 0.00020; TOPMed 0.00022; 1000 Genomes Project 30x 0.00031.
gnomAD v4.1: 451 of 1,607,700 alleles (0.028%); highest among the groups gnomAD compares: Admixed American, 0.12%; 1 homozygote.

Submissions (4):

Labcorp Genetics (formerly Invitae), Labcorp
Classification: Uncertain significance. Last evaluated: 2026-02-01. Review status: criteria provided, single submitter. Criteria: Invitae Variant Classification Sherloc (09022015). Collection method: clinical testing. Allele origin: germline.
Comment: This sequence change replaces valine, which is neutral and non-polar, with leucine, which is neutral and non-polar, at codon 3773 of the FRAS1 protein (p.Val3773Leu). This variant is present in population databases (rs150567662, gnomAD 0.1%). This variant has not been reported in the literature in individuals affected with FRAS1-related conditions. ClinVar contains an entry for this variant (Variation ID: 596492). Invitae Evidence Modeling of protein sequence and biophysical properties (such as structural, functional, and spatial information, amino acid conservation, physicochemical variation, residue mobility, and thermodynamic stability) indicates that this missense variant is expected to disrupt FRAS1 protein function with a positive predictive value of 80%. In summary, the available evidence is currently insufficient to determine the role of this variant in disease. Therefore, it has been classified as a Variant of Uncertain Significance.

Fulgent Genetics
Classification: Likely benign for Fraser syndrome 1. Last evaluated: 2024-03-15. Review status: criteria provided, single submitter. Criteria: ACMG Guidelines, 2015. Collection method: clinical testing. Allele origin: germline.

Ambry Genetics
Classification: Uncertain significance for Inborn genetic diseases. Last evaluated: 2021-07-14. Review status: criteria provided, single submitter. Criteria: Ambry Variant Classification Scheme 2023. Collection method: clinical testing. Allele origin: germline.

Eurofins Ntd Llc (ga)
Classification: Uncertain significance. Last evaluated: 2018-04-03. Review status: criteria provided, single submitter. Criteria: EGL ClinVar v180209 classification definitions. Collection method: clinical testing. Allele origin: germline. Observed: 1 variant allele, 1 heterozygote.